The following is an entry in ClinVar:

NM_002519.3(NPAT):c.508T>C (p.Ser170Pro)

Gene: NPAT (nuclear protein, coactivator of histone transcription; minus strand). Cytogenetic location: 11q22.3.
Variant type: single nucleotide variant.
Coding change: c.508T>C on transcript NM_002519.3 (MANE Select); coding-DNA position 508, T replaced by C.
Protein change: p.Ser170Pro; replaces serine 170 with proline.
Molecular consequence: missense variant.
Genome position (GRCh38, 1-based): chr11:108,189,154, A>G on the plus strand (T>C on the coding strand, the complement: NPAT is on the minus strand). VCF-style: chr11-108189154-A-G. GRCh37 (hg19) VCF-style: chr11-108059881-A-G.
Other names: c.508T>C, p.Ser170Pro (NM_001321307.1); short protein forms S170P.
Identifiers: ClinVar variation 3407173 (VCV003407173.1).

ClinVar aggregate classification (germline): Uncertain significance (1 of 4 stars; one submission).

Submission:

Ambry Genetics
Classification: Uncertain significance. Last evaluated: 2024-07-09. Review status: criteria provided, single submitter. Criteria: Ambry Variant Classification Scheme 2023. Collection method: clinical testing. Allele origin: germline.
Comment: The p.S170P variant (also known as c.508T>C), located in coding exon 6 of the NPAT gene, results from a T to C substitution at nucleotide position 508. The serine at codon 170 is replaced by proline, an amino acid with similar properties. This amino acid position is conserved. In addition, this alteration is predicted to be tolerated by in silico analysis. Based on the available evidence, the clinical significance of this variant remains unclear.